The following is an entry in ClinVar:

ClinVar aggregate classification (germline): Likely benign. Review status: criteria provided, multiple submitters, no conflicts (2 of 4 stars). 2 submissions from 2 submitters: Likely benign (2). Last evaluated 2018-11-14.

Conditions:
Cardiac arrhythmia. Also called: Arrhythmia; Cardiac rhythm disease. Identifiers: MedGen C0003811, MONDO:0007263, HP:0011675.

Submissions (2):

Color Diagnostics, LLC DBA Color Health
Classification: Likely benign for Arrhythmia. Last evaluated: 2018-11-14. Review status: criteria provided, single submitter. Criteria: ACMG Guidelines, 2015. Collection method: clinical testing. Allele origin: germline.

GeneDx
Classification: Likely benign. Last evaluated: 2017-12-12. Review status: criteria provided, single submitter. Criteria: GeneDx Variant Classification (06012015). Collection method: clinical testing. Allele origin: germline. Affected: yes.
Comment: This variant is considered likely benign or benign based on one or more of the following criteria: it is a conservative change, it occurs at a poorly conserved position in the protein, it is predicted to be benign by multiple in silico algorithms, and/or has population frequency not consistent with disease.

NM_000238.4(KCNH2):c.1128+1802C>G

Gene: KCNH2 (potassium voltage-gated channel subfamily H member 2; minus strand). Cytogenetic location: 7q36.1.
Variant type: single nucleotide variant.
Coding change: c.1128+1802C>G on transcript NM_000238.4 (MANE Select); 1802 bases into the intron after coding-DNA position 1128, C replaced by G.
Molecular consequence: intron variant. On other transcripts: synonymous variant (2), non-coding transcript variant (1).
Genome position (GRCh38, 1-based): chr7:150,955,489, G>C on the plus strand (C>G on the coding strand, the complement: KCNH2 is on the minus strand). VCF-style: chr7-150955489-G-C. GRCh37 (hg19) VCF-style: chr7-150652577-G-C.
Other names: c.15C>G, p.Ala5= (NM_001204798.2, NM_172057.3); c.840+1802C>G (NM_001406753.1, NM_001406756.1); c.1128+1802C>G (NM_172056.3); c.951+1802C>G (NM_001406755.1); c.828+1802C>G (NM_001406757.1).
Identifiers: ClinVar variation 514023 (VCV000514023.6), dbSNP rs199794297, ClinGen allele CA658797041.
Genomic context (GRCh38, chr7:150,955,489, plus strand): 5'-CCGCCTCACCCGGCCTTTCTGGGCCCTGGGCCGCAGAGCCCCTGTCCTGCTCGCCTTCCC[G>C]GCTGGGGCCGCCATGGAGGACTTGGCTCCCTGCAGCCTGCCTGCCCTGGGGCCTGAGGGC-3'